The following continues an entry in ClinVar:

NM_145239.3(PRRT2):c.649dup (p.Arg217fs)

ClinVar aggregate classification (germline): Pathogenic/Likely pathogenic. Pathogenic (76); Likely pathogenic (3).

Submissions 76 to 95 of 96:

Lifecell International Pvt. Ltd
Classification: Pathogenic for Infantile convulsions and choreoathetosis. Review status: criteria provided, single submitter. Criteria: ACMG Guidelines, 2015. Collection method: clinical testing. Allele origin: germline. Inheritance: Autosomal dominant inheritance. Affected: yes. Observed: 1 heterozygote.
Comment: A Heterozygous Frameshift variant c.640_641insC in Exon 2 of the PRRT2 gene that results in the amino acid substitution p.Arg217fs*8 was identified. The observed variant is novel in gnomAD exomes and genomes. The severity of the impact of this variant on the protein is high, based on the effect of the protein and REVEL score . Rare Exome Variant Ensemble Learner (REVEL) is an ensembl method for predicting the pathogenicity of missense variants based on a combination of scores from 13 individual tools: MutPred, FATHMM v2.3, VEST 3.0, PolyPhen-2, SIFT, PROVEAN, MutationAssessor, MutationTaster, LRT, GERP++, SiPhy, phyloP, and phastCons. The REVEL score for an individual missense variant can range from 0 to 1, with higher scores reflecting greater likelihood that the variant is disease-causing. ClinVar has also classified this variant as Pathogenic/LikelyPathogenic (Variant ID: 65758). This variant has been identified in patients with infantile choreoathetosis and paroxysmal kinesigenic dyskinesia (Chen WJ et al., 2011). Based on the above evidence this variant has been classified as Pathogenic according to the ACMG guidelines.

Neuberg Centre For Genomic Medicine, NCGM
Classification: Pathogenic for Seizures, benign familial infantile, 2. Review status: criteria provided, single submitter. Criteria: ACMG Guidelines, 2015. Collection method: clinical testing. Allele origin: germline. Inheritance: Autosomal dominant inheritance. Affected: yes.
Comment: The observed frameshift c.649dup(p.Arg217ProfsTer8) variant in PRRT2 gene has been reported previously in heterozygous state in individual(s) affected with infantile seizures and/or paroxysmal kinesigenic dyskinesia (PKD) (Steinlein et al., 2012; Chen GH., 2015). This variant is reported with the allele frequency of 0.4% in the gnomAD Exomes. This variant has been reported to the ClinVar database as Pathogenic by multiple submitters. This variant causes a frameshift starting with codon Arginine 217, changes this amino acid to Proline residue, and creates a premature Stop codon at position 8 of the new reading frame, denoted p.Arg217ProfsTer8. This variant is predicted to cause loss of normal protein function through protein truncation. It is expected to result in an absent or disrupted protein product. Loss-of-function variants in PRRT2 are known to be pathogenic (Méneret et al., 2012). For these reasons, this variant has been classified as Pathogenic.

Neuberg Centre For Genomic Medicine, NCGM
Classification: Pathogenic for Episodic kinesigenic dyskinesia 1. Review status: criteria provided, single submitter. Criteria: ACMG Guidelines, 2015. Collection method: clinical testing. Allele origin: germline. Inheritance: Autosomal dominant inheritance. Affected: yes.
Comment: The frameshift variant c.649dupp.Arg217ProfsTer8 in PRRT2 gene has been reported previously in heterozygous state in individuals affected with benign familial infantile epilepsy, infantile convulsions/choreoathetosis, and paroxysmal kinesigenic dyskinesia Wang Y, et al., 2017, Zheng W, et al., 2016. Experimental studies indicate that this variant results in decreased expression and altered cellular localization of the protein Wu L, et al., 2014. The variant is reported with 0.3% allele frequency in gnomAD Exomes and is novel not in any individuals in 1000 Genomes. This variant has been reported to the ClinVar database as Likely Pathogenic/Pathogenic multiple submissions. This variant causes a frameshift starting with codon Arginine 217, changes this amino acid to Proline residue, and creates a premature Stop codon at position 8 of the new reading frame, denoted p.Arg217ProfsTer8. This variant is predicted to cause loss of normal protein function through protein truncation. Loss of function variants have been previously reported to be disease causing. For these reasons, this variant has been classified as Pathogenic.

Rady Children's Institute for Genomic Medicine, Rady Children's Hospital San Diego
Classification: Pathogenic for PRRT2-Related Disorders. Review status: criteria provided, single submitter. Criteria: ACMG Guidelines, 2015. Collection method: clinical testing. Allele origin: germline. Affected: yes.
Comment: This frameshifting variant in exon 2 of 3 introduces a premature stop codon and is therefore predicted to result in loss of normal protein function through either protein truncation or nonsense-mediated mRNA decay (NMD). This variant is a recurrent cause of benign familial infantile epilepsy, infantile convulsions and choreoathetosis, and paroxysmal kinesigenic dyskinesia (PMID: 23299620, 22101681, 22870186, 22877996, 25667652). The c.649dup (p.Arg217ProfsTer8) variant is present in the gnomAD population database at a frequency of 0.3% (514/165666); however, quality metrics indicate the frequency data for this variant in the population databases is considered unreliable in the gnomAD database. Based on the available evidence, the c.649dup (p.Arg217ProfsTer8) variant is classified as Pathogenic.

Department of Reproductive Genetics, International Peace Maternity and Child Health Hospital, Shanghai Jiao Tong University School of Medicine
Classification: Pathogenic for Episodic kinesigenic dyskinesia 1. Last evaluated: 2025-05-01. Review status: no assertion criteria provided. Collection method: clinical testing. Allele origin: inherited. Affected: yes. Not counted in ClinVar's aggregate classification.
Comment: Loss-of-function is an established disease mechanism for PRRT2.The NM_145239.3(PRRT2):c.649dupC (p.Arg217ProfsTer8) variant results in a frameshift and a premature stop codon, predicted to produce a truncated or absent protein.This variant has been observed in individuals with Episodic kinesigenic dyskinesia 1(EKD1), and demonstrates segregation with disease in affected families. ClinVar lists this variant as Pathogenic//Likely pathogenic (ID: 65758).

Clinical Genetics Laboratory, University Hospital Schleswig-Holstein
Classification: Pathogenic for Episodic kinesigenic dyskinesia 1; Seizures, benign familial infantile, 2. Last evaluated: 2024-05-30. Review status: no assertion criteria provided. Collection method: clinical testing. Allele origin: paternal. Affected: yes. Not counted in ClinVar's aggregate classification.

Clinical Genetics Laboratory, University Hospital Schleswig-Holstein
Classification: Pathogenic for Episodic kinesigenic dyskinesia 1. Last evaluated: 2022-06-02. Review status: no assertion criteria provided. Collection method: clinical testing. Allele origin: germline. Affected: yes. Not counted in ClinVar's aggregate classification.

Solve-RD Consortium
Classification: Likely pathogenic for Episodic kinesigenic dyskinesia 1. Last evaluated: 2022-06-01. Review status: no assertion criteria provided. Collection method: provider interpretation. Allele origin: inherited. Affected: yes. Observed: 2 variant alleles. Not counted in ClinVar's aggregate classification.
Comment: Variant confirmed as disease-causing by referring clinical team

Variant identified during reanalysis of unsolved cases by the Solve-RD project. The Solve-RD project has received funding from the European Union’s Horizon 2020 research and innovation programme under grant agreement No 779257.

Clinical Genetics Laboratory, University Hospital Schleswig-Holstein
Classification: Pathogenic for Infantile convulsions and choreoathetosis. Last evaluated: 2021-10-25. Review status: no assertion criteria provided. Collection method: clinical testing. Allele origin: germline. Affected: yes. Not counted in ClinVar's aggregate classification.

Clinical Genetics Laboratory, University Hospital Schleswig-Holstein
Classification: Pathogenic for Seizures, benign familial infantile, 2. Last evaluated: 2021-06-21. Review status: no assertion criteria provided. Collection method: clinical testing. Allele origin: germline. Affected: yes. Not counted in ClinVar's aggregate classification.

Biochemical Molecular Genetic Laboratory, King Abdulaziz Medical City
Classification: Pathogenic for Seizures, benign familial infantile, 2. Last evaluated: 2020-06-07. Review status: no assertion criteria provided. Collection method: clinical testing. Allele origin: germline. Affected: yes. Not counted in ClinVar's aggregate classification.

Baylor Genetics
Classification: Pathogenic for Episodic kinesigenic dyskinesia 1. Last evaluated: 2016-05-01. Review status: no assertion criteria provided. Collection method: clinical testing. Allele origin: paternal. Inheritance: Autosomal dominant inheritance. Affected: yes. Not counted in ClinVar's aggregate classification.

OMIM
Classification: Pathogenic for EPISODIC KINESIGENIC DYSKINESIA 1. Last evaluated: 2012-10-01. Review status: no assertion criteria provided. Collection method: literature only. Allele origin: germline. Not counted in ClinVar's aggregate classification.

OMIM
Classification: Pathogenic for CONVULSIONS, FAMILIAL INFANTILE, WITH PAROXYSMAL CHOREOATHETOSIS. Last evaluated: 2012-10-01. Review status: no assertion criteria provided. Collection method: literature only. Allele origin: germline. Not counted in ClinVar's aggregate classification.

OMIM
Classification: Pathogenic for SEIZURES, BENIGN FAMILIAL INFANTILE, 2. Last evaluated: 2012-10-01. Review status: no assertion criteria provided. Collection method: literature only. Allele origin: germline. Not counted in ClinVar's aggregate classification.

GeneReviews
No classification provided. Condition: Episodic kinesigenic dyskinesia 1. Review status: no classification provided. Collection method: literature only. Allele origin: germline. Not counted in ClinVar's aggregate classification.

GeneReviews
No classification provided. Condition: Infantile convulsions and choreoathetosis. Review status: no classification provided. Collection method: literature only. Allele origin: germline. Not counted in ClinVar's aggregate classification.

GeneReviews
No classification provided. Condition: Seizures, benign familial infantile, 2. Review status: no classification provided. Collection method: literature only. Allele origin: germline. Not counted in ClinVar's aggregate classification.

Genome Diagnostics Laboratory, Amsterdam University Medical Center
Classification: Pathogenic. Review status: no assertion criteria provided. Collection method: clinical testing. Allele origin: germline. Affected: yes. Study: VKGL Data-share Consensus. Not counted in ClinVar's aggregate classification.

Genome Diagnostics Laboratory, University Medical Center Utrecht
Classification: Pathogenic. Review status: no assertion criteria provided. Collection method: clinical testing. Allele origin: germline. Affected: yes. Study: VKGL Data-share Consensus. Not counted in ClinVar's aggregate classification.